The following is an entry in ClinVar:

ClinVar aggregate classification (germline): Uncertain significance. Review status: criteria provided, multiple submitters, no conflicts (2 of 4 stars). 2 submissions from 2 submitters: Uncertain significance (2). Last evaluated 2026-03-01.

Allele frequency attached by ClinVar (database versions not stated): TOPMed below 0.00001; gnomAD 0.00001; ExAC 0.00002.
gnomAD v4.1: 14 of 1,611,876 alleles (0.00087%); highest among the groups gnomAD compares: Admixed American, 0.0083%; no homozygotes.

Submissions (2):

CeGaT Center for Human Genetics Tuebingen
Classification: Uncertain significance. Last evaluated: 2026-03-01. Review status: criteria provided, single submitter. Criteria: CeGaT Center For Human Genetics Tuebingen Variant Classification Criteria Version 2. Collection method: clinical testing. Allele origin: germline. Affected: yes. Observed: 1 variant allele.
Comment: RANBP2: PM2

Ambry Genetics
Classification: Uncertain significance. Last evaluated: 2023-02-28. Review status: criteria provided, single submitter. Criteria: Ambry Variant Classification Scheme 2023. Collection method: clinical testing. Allele origin: germline.

NM_006267.5(RANBP2):c.1384C>T (p.His462Tyr)

Gene: RANBP2 (RAN binding protein 2; plus strand). Cytogenetic location: 2q13.
Variant type: single nucleotide variant.
Coding change: c.1384C>T on transcript NM_006267.5 (MANE Select); coding-DNA position 1384, C replaced by T.
Protein change: p.His462Tyr; replaces histidine 462 with tyrosine.
Molecular consequence: missense variant.
Genome position (GRCh38, 1-based): chr2:108,751,374, C>T. VCF-style: chr2-108751374-C-T. GRCh37 (hg19) VCF-style: chr2-109367830-C-T.
Other names: c.1384C>T, p.His462Tyr (NM_001415871.1, NM_001415873.1); c.1381C>T, p.His461Tyr (NM_001415872.1); short protein forms H462Y, H461Y.
Identifiers: ClinVar variation 2491349 (VCV002491349.6), dbSNP rs748226800, ClinGen allele CA1822311.